The following is an entry in ClinVar:

ClinVar aggregate classification (germline): Uncertain significance (1 of 4 stars; one submission).

Conditions:
Hereditary breast ovarian cancer syndrome. Also called: Hereditary breast and ovarian cancer syndrome (HBOC); Hereditary breast and/or ovarian cancer syndrome; Hereditary breast and ovarian cancer syndrome; Breast and ovarian cancer; BRCA1- and BRCA2-Associated Hereditary Breast and Ovarian Cancer; Hereditary breast and ovarian cancer. Identifiers: Orphanet 145, MedGen C0677776, MeSH D061325, MONDO:0003582. Disease mechanism: loss of function.

Allele frequency attached by ClinVar (database versions not stated): gnomAD exomes below 0.00001; ExAC 0.00001.
gnomAD v4.1: 3 of 1,613,848 alleles (0.00019%); highest among the groups gnomAD compares: Non-Finnish European, 0.00025%; no homozygotes.

Submission:

Labcorp Genetics (formerly Invitae), Labcorp
Classification: Uncertain significance for Hereditary breast ovarian cancer syndrome. Last evaluated: 2021-08-22. Review status: criteria provided, single submitter. Criteria: Invitae Variant Classification Sherloc (09022015). Collection method: clinical testing. Allele origin: germline.
Comment: This sequence change replaces phenylalanine with tyrosine at codon 246 of the BRCA2 protein (p.Phe246Tyr). The phenylalanine residue is weakly conserved and there is a small physicochemical difference between phenylalanine and tyrosine. This variant is present in population databases (rs763881800, ExAC 0.002%). This variant has not been reported in the literature in individuals affected with BRCA2-related conditions. Advanced modeling of protein sequence and biophysical properties (such as structural, functional, and spatial information, amino acid conservation, physicochemical variation, residue mobility, and thermodynamic stability) performed at Invitae indicates that this missense variant is not expected to disrupt BRCA2 protein function. In summary, the available evidence is currently insufficient to determine the role of this variant in disease. Therefore, it has been classified as a Variant of Uncertain Significance.

NM_000059.4(BRCA2):c.737T>A (p.Phe246Tyr)

Gene: BRCA2 (BRCA2 DNA repair associated; plus strand). Cytogenetic location: 13q13.1.
Variant type: single nucleotide variant.
Coding change: c.737T>A on transcript NM_000059.4 (MANE Select); coding-DNA position 737, T replaced by A.
Protein change: p.Phe246Tyr; replaces phenylalanine 246 with tyrosine.
Molecular consequence: missense variant.
Genome position (GRCh38, 1-based): chr13:32,330,974, T>A. VCF-style: chr13-32330974-T-A. GRCh37 (hg19) VCF-style: chr13-32905111-T-A.
Other names: c.737T>A, p.Phe246Tyr (NM_001406719.1, NM_001406720.1, NM_001406721.1); c.368T>A, p.Phe123Tyr (NM_001406722.1); short protein forms F246Y, F123Y.
Identifiers: ClinVar variation 1966488 (VCV001966488.2), dbSNP rs763881800, ClinGen allele CA6940439.